The following is an entry in ClinVar:

ClinVar aggregate classification (germline): Uncertain significance (1 of 4 stars; one submission).

Allele frequency attached by ClinVar (database versions not stated): gnomAD exomes below 0.00001; ExAC 0.00001; TOPMed 0.00002; gnomAD 0.00003.
gnomAD v4.1: 10 of 1,610,486 alleles (0.00062%); highest among the groups gnomAD compares: East Asian, 0.0089%; no homozygotes.

Submission:

GeneDx
Classification: Uncertain significance. Last evaluated: 2023-09-28. Review status: criteria provided, single submitter. Criteria: GeneDx Variant Classification Process June 2021. Collection method: clinical testing. Allele origin: germline. Affected: yes.
Comment: Not observed at significant frequency in large population cohorts (gnomAD); In silico analysis supports that this missense variant does not alter protein structure/function; Has not been previously published as pathogenic or benign to our knowledge

NM_005247.4(FGF3):c.419C>T (p.Thr140Met)

Gene: FGF3 (fibroblast growth factor 3; minus strand). Cytogenetic location: 11q13.3.
Variant type: single nucleotide variant.
Coding change: c.419C>T on transcript NM_005247.4 (MANE Select); coding-DNA position 419, C replaced by T.
Protein change: p.Thr140Met; replaces threonine 140 with methionine.
Molecular consequence: missense variant.
Genome position (GRCh38, 1-based): chr11:69,810,606, G>A on the plus strand (C>T on the coding strand, the complement: FGF3 is on the minus strand). VCF-style: chr11-69810606-G-A. GRCh37 (hg19) VCF-style: chr11-69625374-G-A.
Other names: short protein forms T140M.
Identifiers: ClinVar variation 2581774 (VCV002581774.1), dbSNP rs782226740, ClinGen allele CA6157073.